The following is an entry in ClinVar:

NM_052874.5(STX1B):c.463+5G>T

Gene: STX1B (syntaxin 1B; minus strand). Cytogenetic location: 16p11.2.
Variant type: single nucleotide variant.
Coding change: c.463+5G>T on transcript NM_052874.5 (MANE Select); 5 bases into the intron after coding-DNA position 463, G replaced by T.
Molecular consequence: intron variant.
Genome position (GRCh38, 1-based): chr16:30,996,946, C>A on the plus strand (G>T on the coding strand, the complement: STX1B is on the minus strand). VCF-style: chr16-30996946-C-A. GRCh37 (hg19) VCF-style: chr16-31008267-C-A.
Identifiers: ClinVar variation 1693661 (VCV001693661.9), dbSNP rs1596716834, ClinGen allele CA2580091577.
Genomic context (GRCh38, chr16:30,996,946, plus strand): 5'-ATGCCTGGAAGGGGGCTTGGGCAGCCTCAAGGAGTTCGGGGTCCTGGGGTGGGGGGCACA[C>A]GCACTGATCTCCAGTTGCCGCTGGATCCGGTCCTTGCAGCGGTCCCGGTACTTGGACTGG-3'

ClinVar aggregate classification (germline): Conflicting classifications of pathogenicity. Review status: criteria provided, conflicting classifications (1 of 4 stars). 2 submissions from 2 submitters: Pathogenic (1); Uncertain significance (1). Last evaluated 2023-09-19.

Conditions:
Generalized epilepsy with febrile seizures plus, type 9 (GEFSP9). Also called: GEFS+, TYPE 9. Identifiers: Orphanet 36387, MedGen C4015395, MONDO:0014517, OMIM 616172.

Submissions (2):

Labcorp Genetics (formerly Invitae), Labcorp
Classification: Pathogenic for Generalized epilepsy with febrile seizures plus, type 9. Last evaluated: 2023-09-19. Review status: criteria provided, single submitter. Criteria: Invitae Variant Classification Sherloc (09022015). Collection method: clinical testing. Allele origin: germline.
Comment: This variant is not present in population databases (gnomAD no frequency). For these reasons, this variant has been classified as Pathogenic. Variants that disrupt the consensus splice site are a relatively common cause of aberrant splicing (PMID: 17576681, 9536098). Algorithms developed to predict the effect of sequence changes on RNA splicing suggest that this variant may disrupt the consensus splice site. ClinVar contains an entry for this variant (Variation ID: 1693661). This variant has been observed in individual(s) with STX1B-related conditions (Invitae). In at least one individual the variant was observed to be de novo. This sequence change falls in intron 6 of the STX1B gene. It does not directly change the encoded amino acid sequence of the STX1B protein. It affects a nucleotide within the consensus splice site.

Mayo Clinic Laboratories, Mayo Clinic
Classification: Uncertain significance. Last evaluated: 2021-07-23. Review status: criteria provided, single submitter. Criteria: ACMG Guidelines, 2015. Collection method: clinical testing. Allele origin: germline.

Literature cited by the submitters: PubMed 17576681 (cited by Labcorp Genetics (formerly Invitae), Labcorp); PubMed 9536098 (cited by Labcorp Genetics (formerly Invitae), Labcorp).